The following is an entry in ClinVar:

ClinVar aggregate classification (germline): Uncertain significance (1 of 4 stars; one submission).

Conditions:
Hereditary cancer-predisposing syndrome. Also called: Neoplastic Syndromes, Hereditary; Tumor predisposition; Hereditary neoplastic syndrome; Hereditary Cancer Syndrome. Identifiers: Orphanet 140162, MedGen C0027672, MeSH D009386, MONDO:0015356.

Submission:

Ambry Genetics
Classification: Uncertain significance for Hereditary cancer-predisposing syndrome. Last evaluated: 2023-10-15. Review status: criteria provided, single submitter. Criteria: Ambry Variant Classification Scheme 2023. Collection method: clinical testing. Allele origin: germline.
Comment: The p.V193M variant (also known as c.577G>A) is located in coding exon 8 of the MUTYH gene. The valine at codon 193 is replaced by methionine, an amino acid with highly similar properties. This change occurs in the first base pair of coding exon 8. This amino acid position is conserved. In addition, this alteration is predicted to be deleterious by in silico analysis. Since supporting evidence is limited at this time, the clinical significance of this alteration remains unclear.

NM_001048174.2(MUTYH):c.493G>A (p.Val165Met)

Gene: MUTYH (mutY DNA glycosylase; minus strand). Cytogenetic location: 1p34.1.
Variant type: single nucleotide variant.
Coding change: c.493G>A on transcript NM_001048174.2 (MANE Select); coding-DNA position 493, G replaced by A.
Protein change: p.Val165Met; replaces valine 165 with methionine.
Molecular consequence: missense variant. On other transcripts: non-coding transcript variant (7).
Genome position (GRCh38, 1-based): chr1:45,332,687, C>T on the plus strand (G>A on the coding strand, the complement: MUTYH is on the minus strand). VCF-style: chr1-45332687-C-T. GRCh37 (hg19) VCF-style: chr1-45798359-C-T.
Other names: c.493G>A, p.Val165Met (NM_001048171.2, NM_001048173.2, NM_001293195.2 and 6 more transcripts); c.496G>A, p.Val166Met (NM_001048172.2, NM_001407071.1, NM_001407078.1 and 1 more transcripts); c.577G>A, p.Val193Met (NM_001128425.2); c.538G>A, p.Val180Met (NM_001293190.2); c.526G>A, p.Val176Met (NM_001293191.2, NM_001407069.1, NM_001407077.1); c.217G>A, p.Val73Met (NM_001293192.2, NM_001293196.2, NM_001407091.1); c.148G>A, p.Val50Met (NM_001350650.2, NM_001350651.2, NM_001407082.1); c.409G>A, p.Val137Met (NM_001407075.1); and 5 more; short protein forms V137M, V151M, V152M, V165M, V166M, V172M, V176M, V179M.
Identifiers: ClinVar variation 3233047 (VCV003233047.1), dbSNP rs2149153311, ClinGen allele CA340135480.